The following is an entry in ClinVar:

ClinVar aggregate classification (germline): Pathogenic (1 of 4 stars; one submission).

Conditions:
Donnai-Barrow syndrome. Also called: DBS/FOAR SYNDROME; FACIOOCULOACOUSTICORENAL SYNDROME. Identifiers: Orphanet 2143, MedGen C1857277, MONDO:0009104, OMIM 222448.

Submission:

Myriad Genetics, Inc.
Classification: Pathogenic for Donnai-Barrow syndrome. Last evaluated: 2024-06-19. Review status: criteria provided, single submitter. Criteria: Myriad Autosomal Dominant, Autosomal Recessive and X-Linked Classification Criteria (2023). Collection method: clinical testing. Allele origin: unknown.
Comment: NM_004525.2(LRP2):c.10173C>A(Y3391*) is expected to be pathogenic in the context of Donnai-Barrow syndrome. This variant is predicted to lead to an abnormal or absent protein product due to the creation of a premature termination codon in LRP2, a gene where loss-of-function variants are known to be pathogenic. Please note: this variant was assessed in the context of healthy population screening.

NM_004525.3(LRP2):c.10173C>A (p.Tyr3391Ter)

Gene: LRP2 (LDL receptor related protein 2; minus strand). Cytogenetic location: 2q31.1.
Variant type: single nucleotide variant.
Coding change: c.10173C>A on transcript NM_004525.3 (MANE Select); coding-DNA position 10173, C replaced by A.
Protein change: p.Tyr3391Ter; replaces tyrosine 3391 with a stop codon.
Molecular consequence: nonsense.
Genome position (GRCh38, 1-based): chr2:169,178,023, G>T on the plus strand (C>A on the coding strand, the complement: LRP2 is on the minus strand). VCF-style: chr2-169178023-G-T. GRCh37 (hg19) VCF-style: chr2-170034533-G-T.
Other names: short protein forms Y3391*.
Identifiers: ClinVar variation 5013207 (VCV005013207.1).